The following is an entry in ClinVar:

NM_003072.5(SMARCA4):c.106C>T (p.Pro36Ser)

Gene: SMARCA4 (SWI/SNF related BAF chromatin remodeling complex subunit ATPase 4; plus strand). Cytogenetic location: 19p13.2.
Variant type: single nucleotide variant.
Coding change: c.106C>T on transcript NM_003072.5 (MANE Select); coding-DNA position 106, C replaced by T.
Protein change: p.Pro36Ser; replaces proline 36 with serine.
Molecular consequence: missense variant. On other transcripts: non-coding transcript variant (1).
Genome position (GRCh38, 1-based): chr19:10,984,257, C>T. VCF-style: chr19-10984257-C-T. GRCh37 (hg19) VCF-style: chr19-11094933-C-T.
Other names: c.106C>T, p.Pro36Ser (NM_001128844.3, NM_001128845.2, NM_001128846.2 and 5 more transcripts); short protein forms P36S.
Identifiers: ClinVar variation 537791 (VCV000537791.16), dbSNP rs1555750794, ClinGen allele CA404054238.

ClinVar aggregate classification (germline): Uncertain significance. Review status: criteria provided, multiple submitters, no conflicts (2 of 4 stars). 3 submissions from 3 submitters: Uncertain significance (3). Last evaluated 2025-05-23.

Conditions:
Hereditary cancer-predisposing syndrome. Also called: Neoplastic Syndromes, Hereditary; Hereditary Cancer Syndrome; Tumor predisposition; Hereditary neoplastic syndrome. Identifiers: Orphanet 140162, MedGen C0027672, MeSH D009386, MONDO:0015356.
Rhabdoid tumor predisposition syndrome 2 (RTPS2). Identifiers: Orphanet 231108, Orphanet 69077, MedGen C2750074, MONDO:0013224, OMIM 613325.

Allele frequency attached by ClinVar (database versions not stated): gnomAD exomes below 0.00001.
gnomAD v4.1: 2 of 1,611,742 alleles (0.00012%); highest among the groups gnomAD compares: South Asian, 0.0011%; no homozygotes.

Submissions (3):

Dasa
Classification: Uncertain significance. Last evaluated: 2025-05-23. Review status: criteria provided, single submitter. Criteria: DASA Assertion Criteria. Collection method: clinical testing. Allele origin: germline.
Comment: NM_003072.5(SMARCA4):c.106C>T (p.Pro36Ser) is a missense variant that results in the substitution of proline with serine. This variant is rare in population databases. The currently available literature and clinical evidence are not sufficient to establish a definitive association between this variant and the reported condition. Therefore, this variant is classified as a variant of uncertain significance.

Ambry Genetics
Classification: Uncertain significance for Hereditary cancer-predisposing syndrome. Last evaluated: 2024-11-20. Review status: criteria provided, single submitter. Criteria: Ambry Variant Classification Scheme 2023. Collection method: clinical testing. Allele origin: germline.
Comment: The p.P36S variant (also known as c.106C>T), located in coding exon 1 of the SMARCA4 gene, results from a C to T substitution at nucleotide position 106. The proline at codon 36 is replaced by serine, an amino acid with similar properties. This amino acid position is highly conserved in available vertebrate species. In addition, the in silico prediction for this alteration is inconclusive. Based on the available evidence, the clinical significance of this variant remains unclear.

Labcorp Genetics (formerly Invitae), Labcorp
Classification: Uncertain significance for Rhabdoid tumor predisposition syndrome 2. Last evaluated: 2024-11-04. Review status: criteria provided, single submitter. Criteria: Invitae Variant Classification Sherloc (09022015). Collection method: clinical testing. Allele origin: germline.
Comment: This sequence change replaces proline, which is neutral and non-polar, with serine, which is neutral and polar, at codon 36 of the SMARCA4 protein (p.Pro36Ser). This variant is not present in population databases (gnomAD no frequency). This variant has not been reported in the literature in individuals affected with SMARCA4-related conditions. ClinVar contains an entry for this variant (Variation ID: 537791). Invitae Evidence Modeling of protein sequence and biophysical properties (such as structural, functional, and spatial information, amino acid conservation, physicochemical variation, residue mobility, and thermodynamic stability) indicates that this missense variant is not expected to disrupt SMARCA4 protein function with a negative predictive value of 95%. In summary, the available evidence is currently insufficient to determine the role of this variant in disease. Therefore, it has been classified as a Variant of Uncertain Significance.